The following is an entry in ClinVar:

NM_000053.4(ATP7B):c.3413-8T>G

Gene: ATP7B (ATPase copper transporting beta; minus strand). Cytogenetic location: 13q14.3.
Variant type: single nucleotide variant.
Coding change: c.3413-8T>G on transcript NM_000053.4 (MANE Select); 8 bases into the intron before coding-DNA position 3413, T replaced by G.
Molecular consequence: intron variant.
Genome position (GRCh38, 1-based): chr13:51,941,232, A>C on the plus strand (T>G on the coding strand, the complement: ATP7B is on the minus strand). VCF-style: chr13-51941232-A-C. GRCh37 (hg19) VCF-style: chr13-52515368-A-C.
Other names: c.2927-8T>G (NM_001406541.1, NM_001406542.1); c.3161-8T>G (NM_001406531.1, NM_001406532.1, NM_001330579.2); c.3179-8T>G (NM_001406527.1, NM_001406528.1, NM_001330578.2); c.3074-8T>G (NM_001406537.1); c.3269-8T>G (NM_001406521.1, NM_001406522.1, NM_001406520.1); c.3407-8T>G (NM_001406513.1); c.3413-8T>G (NM_001406511.1, NM_001406512.1, NM_001406526.1); c.3064+1154T>G (NM_001406543.1); and 20 more.
Identifiers: ClinVar variation 4757870 (VCV004757870.1).

ClinVar aggregate classification (germline): Uncertain significance (1 of 4 stars; one submission).

Conditions:
Wilson disease (WND). Also called: Wilson's disease. Identifiers: Orphanet 905, MedGen C0019202, MONDO:0010200, OMIM 277900. Disease mechanism: loss of function.

Submission:

Color Diagnostics, LLC DBA Color Health
Classification: Uncertain significance for Wilson disease. Last evaluated: 2025-08-26. Review status: criteria provided, single submitter. Criteria: ACMG Guidelines, 2015. Collection method: clinical testing. Allele origin: germline.
Comment: This variant causes a T to G nucleotide substitution at the -8 position of intron 15 of the ATP7B gene. Splice site prediction tools are inconclusive regarding the impact of this variant on RNA splicing. To our knowledge, RNA studies have not been reported for this variant. This variant has not been reported in individuals affected with ATP7B-related disorders in the literature. This variant has not been identified in the general population by the Genome Aggregation Database (gnomAD). The available evidence is insufficient to determine the role of this variant in disease conclusively. Therefore, this variant is classified as a Variant of Uncertain Significance.